The following is an entry in ClinVar:

NM_012431.3(SEMA3E):c.39G>A (p.Trp13Ter)

Gene: SEMA3E (semaphorin 3E; minus strand). Cytogenetic location: 7q21.11.
Variant type: single nucleotide variant.
Coding change: c.39G>A on transcript NM_012431.3 (MANE Select); coding-DNA position 39, G replaced by A.
Protein change: p.Trp13Ter; replaces tryptophan 13 with a stop codon.
Molecular consequence: nonsense.
Genome position (GRCh38, 1-based): chr7:83,648,504, C>T on the plus strand (G>A on the coding strand, the complement: SEMA3E is on the minus strand). VCF-style: chr7-83648504-C-T. GRCh37 (hg19) VCF-style: chr7-83277820-C-T.
Other names: short protein forms W13*.
Identifiers: ClinVar variation 2844222 (VCV002844222.3), dbSNP rs1476535481, ClinGen allele CA368021252.
Genomic context (GRCh38, chr7:83,648,504, plus strand): 5'-TAACCGGGGGTGGGTAGTATCAGCTGTATGACCTCCTGTCCAAAGCTCCAGTAAGTAACC[C>T]CACAGGAGCAAGGTGATAATGTGCCCCGCGGATGCCATGCTGCCGTGTTCACCGTCCAAG-3'

ClinVar aggregate classification (germline): Uncertain significance (1 of 4 stars; one submission).

Conditions:
CHARGE syndrome (CHARGE). Also called: Hittner Hirsch Kreh syndrome; CHARGE ASSOCIATION--COLOBOMA, HEART ANOMALY, CHOANAL ATRESIA, RETARDATION, GENITAL AND EAR ANOMALIES; Coloboma, heart anomaly, choanal atresia, retardation, genital and ear anomalies; CHARGE association; Hall-Hittner syndrome. Identifiers: Orphanet 138, MedGen C0265354, MONDO:0008965.

Submission:

Labcorp Genetics (formerly Invitae), Labcorp
Classification: Uncertain significance for CHARGE syndrome. Last evaluated: 2025-12-02. Review status: criteria provided, single submitter. Criteria: Invitae Variant Classification Sherloc (09022015). Collection method: clinical testing. Allele origin: germline.
Comment: This sequence change creates a premature translational stop signal (p.Trp13*) in the SEMA3E gene. It is expected to result in an absent or disrupted protein product. However, the current clinical and genetic evidence is not sufficient to establish whether loss-of-function variants in SEMA3E cause disease. This variant is not present in population databases (gnomAD no frequency). This variant has not been reported in the literature in individuals affected with SEMA3E-related conditions. ClinVar contains an entry for this variant (Variation ID: 2844222). Experimental studies and prediction algorithms are not available or were not evaluated, and the functional significance of this variant is currently unknown. In summary, the available evidence is currently insufficient to determine the role of this variant in disease. Therefore, it has been classified as a Variant of Uncertain Significance.